The following is an entry in ClinVar:

ClinVar aggregate classification (germline): Uncertain significance (1 of 4 stars; one submission).

Conditions:
Autoimmune interstitial lung disease-arthritis syndrome. Also called: Autoinflammation and autoimmunity, systemic, with immune dysregulation. Identifiers: Orphanet 444092, MedGen C5975714, MONDO:0014629.

Submission:

Labcorp Genetics (formerly Invitae), Labcorp
Classification: Uncertain significance for Autoimmune interstitial lung disease-arthritis syndrome. Last evaluated: 2025-09-11. Review status: criteria provided, single submitter. Criteria: Invitae Variant Classification Sherloc (09022015). Collection method: clinical testing. Allele origin: germline.
Comment: This sequence change replaces leucine, which is neutral and non-polar, with histidine, which is basic and polar, at codon 795 of the COPA protein (p.Leu795His). This variant is not present in population databases (gnomAD no frequency). This variant has not been reported in the literature in individuals affected with COPA-related conditions. Invitae Evidence Modeling of protein sequence and biophysical properties (such as structural, functional, and spatial information, amino acid conservation, physicochemical variation, residue mobility, and thermodynamic stability) indicates that this missense variant is expected to disrupt COPA protein function with a positive predictive value of 80%. In summary, the available evidence is currently insufficient to determine the role of this variant in disease. Therefore, it has been classified as a Variant of Uncertain Significance.

NM_004371.4(COPA):c.2384T>A (p.Leu795His)

Gene: COPA (coat protein complex I subunit alpha; minus strand). Cytogenetic location: 1q23.2.
Variant type: single nucleotide variant.
Coding change: c.2384T>A on transcript NM_004371.4 (MANE Select); coding-DNA position 2384, T replaced by A.
Protein change: p.Leu795His; replaces leucine 795 with histidine.
Molecular consequence: missense variant.
Genome position (GRCh38, 1-based): chr1:160,295,828, A>T on the plus strand (T>A on the coding strand, the complement: COPA is on the minus strand). VCF-style: chr1-160295828-A-T. GRCh37 (hg19) VCF-style: chr1-160265618-A-T.
Other names: c.2411T>A, p.Leu804His (NM_001098398.2); short protein forms L795H, L804H.
Identifiers: ClinVar variation 4743585 (VCV004743585.1).